The following is an entry in ClinVar:

ClinVar aggregate classification (germline): Uncertain significance (1 of 4 stars; one submission).

Conditions:
Hereditary cancer-predisposing syndrome. Also called: Hereditary Cancer Syndrome; Neoplastic Syndromes, Hereditary; Tumor predisposition; Hereditary neoplastic syndrome. Identifiers: Orphanet 140162, MedGen C0027672, MeSH D009386, MONDO:0015356.

Submission:

Color Diagnostics, LLC DBA Color Health
Classification: Uncertain significance for Hereditary cancer-predisposing syndrome. Last evaluated: 2023-12-05. Review status: criteria provided, single submitter. Criteria: ACMG Guidelines, 2015. Collection method: clinical testing. Allele origin: germline.
Comment: This missense variant replaces valine with alanine at codon 713 of the BARD1 protein. Computational prediction suggests that this variant may not impact protein structure and function (internally defined REVEL score threshold <= 0.5, PMID: 27666373). To our knowledge, functional studies have not been reported for this variant. This variant has not been reported in individuals affected with BARD1-related disorders in the literature. This variant has not been identified in the general population by the Genome Aggregation Database (gnomAD). The available evidence is insufficient to determine the role of this variant in disease conclusively. Therefore, this variant is classified as a Variant of Uncertain Significance.

NM_000465.4(BARD1):c.2138T>C (p.Val713Ala)

Gene: BARD1 (BRCA1 associated RING domain 1; minus strand). Cytogenetic location: 2q35.
Variant type: single nucleotide variant.
Coding change: c.2138T>C on transcript NM_000465.4 (MANE Select); coding-DNA position 2138, T replaced by C.
Protein change: p.Val713Ala; replaces valine 713 with alanine.
Molecular consequence: missense variant. On other transcripts: non-coding transcript variant (3).
Genome position (GRCh38, 1-based): chr2:214,728,872, A>G on the plus strand (T>C on the coding strand, the complement: BARD1 is on the minus strand). VCF-style: chr2-214728872-A-G. GRCh37 (hg19) VCF-style: chr2-215593596-A-G.
Other names: c.2081T>C, p.Val694Ala (NM_001282543.2); c.785T>C, p.Val262Ala (NM_001282545.2); c.728T>C, p.Val243Ala (NM_001282548.2); c.599T>C, p.Val200Ala (NM_001282549.2); short protein forms V713A, V243A, V262A, V200A, V694A.
Identifiers: ClinVar variation 489668 (VCV000489668.6), dbSNP rs876658193, ClinGen allele CA350450511.